The following is an entry in ClinVar:

NM_001429.4(EP300):c.1879-4A>G

Gene: EP300 (E1A binding protein p300; plus strand). Cytogenetic location: 22q13.2.
Variant type: single nucleotide variant.
Coding change: c.1879-4A>G on transcript NM_001429.4 (MANE Select); 4 bases into the intron before coding-DNA position 1879, A replaced by G.
Molecular consequence: intron variant.
Genome position (GRCh38, 1-based): chr22:41,141,044, A>G. VCF-style: chr22-41141044-A-G. GRCh37 (hg19) VCF-style: chr22-41537048-A-G.
Other names: c.1879-4A>G (NM_001362843.2).
Identifiers: ClinVar variation 3364056 (VCV003364056.1).

ClinVar aggregate classification (germline): Uncertain significance (1 of 4 stars; one submission).

Submission:

GeneDx
Classification: Uncertain significance. Last evaluated: 2023-11-09. Review status: criteria provided, single submitter. Criteria: GeneDx Variant Classification Process June 2021. Collection method: clinical testing. Allele origin: germline. Affected: yes.
Comment: Not observed at significant frequency in large population cohorts (gnomAD); In silico analysis supports a deleterious effect on splicing; Has not been previously published as pathogenic or benign to our knowledge